The following is an entry in ClinVar:

ClinVar aggregate classification (germline): Pathogenic (1 of 4 stars; one submission).

Submission:

Labcorp Genetics (formerly Invitae), Labcorp
Classification: Pathogenic. Last evaluated: 2023-07-29. Review status: criteria provided, single submitter. Criteria: Invitae Variant Classification Sherloc (09022015). Collection method: clinical testing. Allele origin: germline.
Comment: For these reasons, this variant has been classified as Pathogenic. This variant has not been reported in the literature in individuals affected with LOXHD1-related conditions. This variant is not present in population databases (gnomAD no frequency). This sequence change creates a premature translational stop signal (p.Pro1771Argfs*38) in the LOXHD1 gene. It is expected to result in an absent or disrupted protein product. Loss-of-function variants in LOXHD1 are known to be pathogenic (PMID: 19732867, 21465660, 25792669).

Literature cited by the submitters: PubMed 19732867; PubMed 21465660; PubMed 25792669.

NM_001384474.1(LOXHD1):c.5498_5499del (p.Pro1833fs)

Gene: LOXHD1 (lipoxygenase homology PLAT domains 1; minus strand). Cytogenetic location: 18q21.1.
Variant type: Deletion.
Coding change: c.5498_5499del on transcript NM_001384474.1 (MANE Select); coding-DNA positions 5498 to 5499, 2 bases deleted (CG; older notation c.5498_5499delCG).
Protein change: p.Pro1833fs; shifts the reading frame from proline 1833.
Molecular consequence: frameshift variant.
Genome position (GRCh38, 1-based): chr18:46,509,716-46,509,717, CG deleted on the plus strand (CG on the coding strand, the reverse complement: LOXHD1 is on the minus strand). VCF-style (leftmost placement, unchanged base first): chr18-46509715-CCG-C. GRCh37 (hg19) VCF-style: chr18-44089678-CCG-C.
Other names: c.2165_2166del, p.Pro722fs (NM_001145472.3); c.215_216del, p.Pro72fs (NM_001145473.3, NM_001173129.2); c.1877_1878del, p.Pro626fs (NM_001308013.2); c.5312_5313del, p.Pro1771fs (NM_144612.7); short protein forms P626fs, P1771fs, P722fs, P72fs, P1833fs.
Identifiers: ClinVar variation 2748210 (VCV002748210.3), dbSNP rs2511512891, ClinGen allele CA2697555478.